The following is an entry in ClinVar:

ClinVar aggregate classification (germline): Uncertain significance (1 of 4 stars; one submission).

Conditions:
Myoclonic dystonia 26. Identifiers: MedGen C4225341, MONDO:0014620, OMIM 616398.

Allele frequency attached by ClinVar (database versions not stated): TOPMed below 0.00001; gnomAD 0.00001.
gnomAD v4.1: 9 of 1,247,472 alleles (0.00072%); highest among the groups gnomAD compares: East Asian, 0.0032%; no homozygotes.

Submission:

Labcorp Genetics (formerly Invitae), Labcorp
Classification: Uncertain significance for Myoclonic dystonia 26. Last evaluated: 2021-09-04. Review status: criteria provided, single submitter. Criteria: Invitae Variant Classification Sherloc (09022015). Collection method: clinical testing. Allele origin: germline.
Comment: In summary, the available evidence is currently insufficient to determine the role of this variant in disease. Therefore, it has been classified as a Variant of Uncertain Significance. This sequence change replaces glycine with glutamic acid at codon 13 of the KCTD17 protein (p.Gly13Glu). The glycine residue is moderately conserved and there is a moderate physicochemical difference between glycine and glutamic acid. The frequency data for this variant in the population databases is considered unreliable, as metrics indicate insufficient coverage at this position in the ExAC database. This variant has not been reported in the literature in individuals affected with KCTD17-related conditions. Algorithms developed to predict the effect of missense changes on protein structure and function are either unavailable or do not agree on the potential impact of this missense change (SIFT: "Deleterious"; PolyPhen-2: "Benign"; Align-GVGD: "Class C0").

NM_001282684.2(KCTD17):c.17G>A (p.Gly6Glu)

Genes: KCTD17 (potassium channel tetramerization domain containing 17; plus strand), LOC130067340 (ATAC-STARR-seq lymphoblastoid silent region 13677; plus strand). Cytogenetic location: 22q12.3.
Variant type: single nucleotide variant.
Coding change: c.17G>A on transcript NM_001282684.2 (MANE Select); coding-DNA position 17, G replaced by A.
Protein change: p.Gly6Glu; replaces glycine 6 with glutamic acid.
Molecular consequence: missense variant.
Genome position (GRCh38, 1-based): chr22:37,051,777, G>A. VCF-style: chr22-37051777-G-A. GRCh37 (hg19) VCF-style: chr22-37447817-G-A.
Other names: c.17G>A, p.Gly6Glu (NM_001282685.2, NM_001282686.2, NM_024681.4); short protein forms G6E.
Identifiers: ClinVar variation 1473076 (VCV001473076.6), dbSNP rs1158242201, ClinGen allele CA411412452.
Genomic context (GRCh38, chr22:37,051,777, plus strand): 5'-CGCCCCCAGCGCCCGGGAGGAGGATGCAGACGCCGCGGCCGGCGATGAGGATGGAGGCCG[G>A]GGAGGCAGCGCCGCCGGCGGGGGCGGGCGGCCGCGCCGCAGGCGGCTGGGGCAAGTGGGT-3'
Protein context (NP_001269613.2, residues 1-16): MRMEA[Gly6Glu]EAAPPAGAGG